The following is an entry in ClinVar:

NM_001164277.2(SLC37A4):c.103A>T (p.Met35Leu)

Gene: SLC37A4 (solute carrier family 37 member 4; minus strand). Cytogenetic location: 11q23.3.
Variant type: single nucleotide variant.
Coding change: c.103A>T on transcript NM_001164277.2 (MANE Select); coding-DNA position 103, A replaced by T.
Protein change: p.Met35Leu; replaces methionine 35 with leucine.
Molecular consequence: missense variant. On other transcripts: intron variant (1).
Genome position (GRCh38, 1-based): chr11:119,029,267, T>A on the plus strand (A>T on the coding strand, the complement: SLC37A4 is on the minus strand). VCF-style: chr11-119029267-T-A. GRCh37 (hg19) VCF-style: chr11-118899977-T-A.
Other names: c.103A>T, p.Met35Leu (NM_001164278.2, NM_001164280.2, NM_001467.6); c.-172+125A>T (NM_001164279.2); short protein forms M35L.
Identifiers: ClinVar variation 4737829 (VCV004737829.1).
Genomic context (GRCh38, chr11:119,029,267, plus strand): 5'-TGTTTCAGGGCTCACCCAAATCATCCTTGTCCAAAGGGATCTCTTCCACCAATGATGGCA[T>A]GACAAAGGAGAAGGTCTTGCGATTGAAGTAATACAGGCTGTAGCCCCCAAACATGGCTGA-3'
Protein context (NP_001157749.1, residues 25-45): YFNRKTFSFV[Met35Leu]PSLVEEIPLD

ClinVar aggregate classification (germline): Uncertain significance (1 of 4 stars; one submission).

Conditions:
Glucose-6-phosphate transport defect (GSD1B). Also called: Glycogen Storage Disease Type Ib; GSD Ib. Identifiers: Orphanet 364, Orphanet 79259, MedGen C0268146, MONDO:0009288, OMIM 232220.

Submission:

Labcorp Genetics (formerly Invitae), Labcorp
Classification: Uncertain significance for Glucose-6-phosphate transport defect. Last evaluated: 2025-10-23. Review status: criteria provided, single submitter. Criteria: Invitae Variant Classification Sherloc (09022015). Collection method: clinical testing. Allele origin: germline.
Comment: This sequence change replaces methionine, which is neutral and non-polar, with leucine, which is neutral and non-polar, at codon 35 of the SLC37A4 protein (p.Met35Leu). This variant is present in population databases (rs782533083, gnomAD 0.003%). This variant has not been reported in the literature in individuals affected with SLC37A4-related conditions. Invitae Evidence Modeling of protein sequence and biophysical properties (such as structural, functional, and spatial information, amino acid conservation, physicochemical variation, residue mobility, and thermodynamic stability) indicates that this missense variant is not expected to disrupt SLC37A4 protein function with a negative predictive value of 80%. In summary, the available evidence is currently insufficient to determine the role of this variant in disease. Therefore, it has been classified as a Variant of Uncertain Significance.